The following is an entry in ClinVar:

NM_198253.3(TERT):c.545C>T (p.Thr182Ile)

Gene: TERT (telomerase reverse transcriptase; minus strand). Cytogenetic location: 5p15.33.
Variant type: single nucleotide variant.
Coding change: c.545C>T on transcript NM_198253.3 (MANE Select); coding-DNA position 545, C replaced by T.
Protein change: p.Thr182Ile; replaces threonine 182 with isoleucine.
Molecular consequence: missense variant. On other transcripts: non-coding transcript variant (2).
Genome position (GRCh38, 1-based): chr5:1,294,341, G>A on the plus strand (C>T on the coding strand, the complement: TERT is on the minus strand). VCF-style: chr5-1294341-G-A. GRCh37 (hg19) VCF-style: chr5-1294456-G-A.
Other names: c.545C>T, p.Thr182Ile (NM_001193376.3); short protein forms T182I.
Identifiers: ClinVar variation 576079 (VCV000576079.16), dbSNP rs1001681226, ClinGen allele CA359057596.

ClinVar aggregate classification (germline): Uncertain significance. Review status: criteria provided, multiple submitters, no conflicts (2 of 4 stars). 3 submissions from 3 submitters: Uncertain significance (3). Last evaluated 2025-10-13.

Conditions:
Dyskeratosis congenita, autosomal dominant 2. Identifiers: MedGen C3151443, MONDO:0013521, OMIM 613989.
Idiopathic Pulmonary Fibrosis. Also called: Idiopathic fibrosing alveolitis, chronic form; idiopathic fibrosing alveolitis. Identifiers: Orphanet 2032, MedGen C1800706, MeSH D054990, MONDO:0800504.
Dyskeratosis congenita. Identifiers: Orphanet 1775, MedGen C0265965, MONDO:0015780.

Allele frequency attached by ClinVar (database versions not stated): TOPMed 0.00002.

Submissions (3):

Ambry Genetics
Classification: Uncertain significance for Dyskeratosis congenita. Last evaluated: 2025-10-13. Review status: criteria provided, single submitter. Criteria: Ambry Variant Classification Scheme 2023. Collection method: clinical testing. Allele origin: germline.
Comment: The p.T182I variant (also known as c.545C>T), located in coding exon 2 of the TERT gene, results from a C to T substitution at nucleotide position 545. The threonine at codon 182 is replaced by isoleucine, an amino acid with similar properties. This amino acid position is not well conserved in available vertebrate species. In addition, this alteration is predicted to be tolerated by in silico analysis. Based on the available evidence, the clinical significance of this variant remains unclear.

Labcorp Genetics (formerly Invitae), Labcorp
Classification: Uncertain significance for Dyskeratosis congenita, autosomal dominant 2; Idiopathic Pulmonary Fibrosis. Last evaluated: 2025-07-31. Review status: criteria provided, single submitter. Criteria: Invitae Variant Classification Sherloc (09022015). Collection method: clinical testing. Allele origin: germline.
Comment: This sequence change replaces threonine, which is neutral and polar, with isoleucine, which is neutral and non-polar, at codon 182 of the TERT protein (p.Thr182Ile). This variant is not present in population databases (gnomAD no frequency). This variant has not been reported in the literature in individuals affected with TERT-related conditions. ClinVar contains an entry for this variant (Variation ID: 576079). Invitae Evidence Modeling of protein sequence and biophysical properties (such as structural, functional, and spatial information, amino acid conservation, physicochemical variation, residue mobility, and thermodynamic stability) has been performed for this missense variant. However, the output from this modeling did not meet the statistical confidence thresholds required to predict the impact of this variant on TERT protein function. In summary, the available evidence is currently insufficient to determine the role of this variant in disease. Therefore, it has been classified as a Variant of Uncertain Significance.

GeneDx
Classification: Uncertain significance. Last evaluated: 2025-01-10. Review status: criteria provided, single submitter. Criteria: GeneDx Variant Classification Process June 2021. Collection method: clinical testing. Allele origin: germline. Affected: yes.
Comment: Not observed at significant frequency in large population cohorts (gnomAD); In silico analysis indicates that this missense variant does not alter protein structure/function; Has not been previously published as pathogenic or benign to our knowledge